The following is an entry in ClinVar:

NM_004415.4(DSP):c.5198A>G (p.Asp1733Gly)

Gene: DSP (desmoplakin; plus strand). Cytogenetic location: 6p24.3.
Variant type: single nucleotide variant.
Coding change: c.5198A>G on transcript NM_004415.4 (MANE Select); coding-DNA position 5198, A replaced by G.
Protein change: p.Asp1733Gly; replaces aspartic acid 1733 with glycine.
Molecular consequence: missense variant. On other transcripts: intron variant (2).
Genome position (GRCh38, 1-based): chr6:7,581,388, A>G. VCF-style: chr6-7581388-A-G. GRCh37 (hg19) VCF-style: chr6-7581621-A-G.
Other names: c.4050+1148A>G (NM_001319034.2); c.3583-1254A>G (NM_001008844.3); short protein forms D1733G.
Identifiers: ClinVar variation 4756226 (VCV004756226.1).

ClinVar aggregate classification (germline): Uncertain significance (1 of 4 stars; one submission).

Conditions:
Cardiomyopathy (CMYO). Also called: Cardiomyopathies. Identifiers: Orphanet 167848, MedGen C0878544, MONDO:0004994, HP:0001638. Inheritance: Various modes of inheritance.

gnomAD v4.1: 1 of 1,614,138 alleles (0.000062%); highest among the groups gnomAD compares: East Asian, 0.0022%; no homozygotes.

Submission:

Color Diagnostics, LLC DBA Color Health
Classification: Uncertain significance for Cardiomyopathy. Last evaluated: 2025-08-17. Review status: criteria provided, single submitter. Criteria: ACMG Guidelines, 2015. Collection method: clinical testing. Allele origin: germline.
Comment: This missense variant replaces aspartic acid with glycine at codon 1733 of the DSP protein. Computational prediction suggests that this variant may not impact protein structure and function. To our knowledge, functional studies have not been reported for this variant. This variant has not been reported in individuals affected with DSP-related disorders in the literature. This variant has not been identified in the general population by the Genome Aggregation Database (gnomAD). The available evidence is insufficient to determine the role of this variant in disease conclusively. Therefore, this variant is classified as a Variant of Uncertain Significance.